The following is an entry in ClinVar:

ClinVar aggregate classification (germline): Conflicting classifications of pathogenicity. Review status: criteria provided, conflicting classifications (1 of 4 stars). 12 submissions from 12 submitters: Uncertain significance (1); Benign (1); Likely benign (6). 4 of the submissions do not count toward it. Last evaluated 2026-08-12.

Conditions:
CACNA1S-related disorder. Also called: CACNA1S-related condition.
Hypokalemic periodic paralysis, type 1. Also called: HypoPP; Hypokalemic Periodic Paralysis Type 1 (AD). Identifiers: Orphanet 681, MedGen C3714580, MONDO:0042979, OMIM 170400.
Malignant hyperthermia, susceptibility to, 5 (MHS5). Also called: CACNA1S-Related Malignant Hyperthermia Susceptibility. Identifiers: Orphanet 423, MedGen C1866077, MONDO:0011163, OMIM 601887.

Allele frequency attached by ClinVar (database versions not stated): 1000 Genomes Project 30x 0.00078; 1000 Genomes Project 0.00080; gnomAD exomes 0.00121; TOPMed 0.00132; gnomAD 0.00133 and 0.00135; ESP Exome Variant Server 0.00154; ExAC 0.00160.
gnomAD v4.1: 3,046 of 1,592,980 alleles (0.19%); highest among the groups gnomAD compares: Non-Finnish European, 0.24%; 6 homozygotes.

Submissions (12):

GeneDx
Classification: Uncertain significance. Last evaluated: 2026-08-12. Review status: criteria provided, single submitter. Criteria: GeneDx Variant Classification Process June 2021. Collection method: clinical testing. Allele origin: germline.
Comment: Reported previously in an individual with susceptibility to malignant hyperthermia who also harbored another CACNA1S variant, as well as a variant in RYR1 (PMID: 25735680); Reported previously in an individual with Takotsubo (stress) cardiomyopathy and in multiple individuals participating in the deCODE Genetics project (PMID: 25132214, 37937776); In silico analysis suggests that this missense variant does not alter protein structure/function; This variant is associated with the following publications: (PMID: 37234784, 25132214, 27153395, 25735680, 37937776)

CeGaT Center for Human Genetics Tuebingen
Classification: Likely benign. Last evaluated: 2026-06-01. Review status: criteria provided, single submitter. Criteria: CeGaT Center For Human Genetics Tuebingen Variant Classification Criteria Version 2. Collection method: clinical testing. Allele origin: germline. Affected: yes. Observed: 5 variant alleles.
Comment: CACNA1S: BS2

Labcorp Genetics (formerly Invitae), Labcorp
Classification: Likely benign for Hypokalemic periodic paralysis, type 1; Malignant hyperthermia, susceptibility to, 5. Last evaluated: 2026-02-01. Review status: criteria provided, single submitter. Criteria: Invitae Variant Classification Sherloc (09022015). Collection method: clinical testing. Allele origin: germline.

Mayo Clinic Laboratories, Mayo Clinic
Classification: Likely benign. Last evaluated: 2025-01-29. Review status: criteria provided, single submitter. Criteria: ACMG Guidelines, 2015. Collection method: clinical testing. Allele origin: germline. Observed: 4 variant alleles.
Comment: BS1, BS2

Blueprint Genetics
Classification: Likely benign. Last evaluated: 2024-11-15. Review status: criteria provided, single submitter. Criteria: ACMG Guidelines, 2015. Collection method: clinical testing. Allele origin: germline.

All of Us Research Program, National Institutes of Health
Classification: Likely benign for Malignant hyperthermia, susceptibility to, 5. Last evaluated: 2024-09-25. Review status: criteria provided, single submitter. Criteria: ACMG Guidelines, 2015. Collection method: clinical testing. Allele origin: germline. Inheritance: Autosomal dominant inheritance. Observed: 470 variant alleles, 470 heterozygotes.
Comment: This study involves interpretation of variants in research participants for the purpose of population health screening. Participant phenotype was not available at the time of variant classification. Additional details can be found in publication PMID: 35346344, PMCID: PMC8962531

Color Diagnostics, LLC DBA Color Health
Classification: Likely benign for Malignant hyperthermia, susceptibility to, 5. Last evaluated: 2022-09-20. Review status: criteria provided, single submitter. Criteria: ACMG Guidelines, 2015. Collection method: clinical testing. Allele origin: germline.

Illumina Laboratory Services, Illumina
Classification: Benign for Hypokalemic periodic paralysis, type 1. Last evaluated: 2018-01-12. Review status: criteria provided, single submitter. Criteria: ICSL Variant Classification Criteria 13 December 2019. Collection method: clinical testing. Allele origin: germline.
Comment: This variant was observed in the ICSL laboratory as part of a predisposition screen in an ostensibly healthy population. It had not been previously curated by ICSL or reported in the Human Gene Mutation Database (HGMD: prior to June 1st, 2018), and was therefore a candidate for classification through an automated scoring system. Utilizing variant allele frequency, disease prevalence and penetrance estimates, and inheritance mode, an automated score was calculated to assess if this variant is too frequent to cause the disease. Based on the score and internal cut-off values, a variant classified as benign is not then subjected to further curation. The score for this variant resulted in a classification of benign for this disease.

PreventionGenetics, part of Exact Sciences
Classification: Likely benign for CACNA1S-related condition. Last evaluated: 2020-12-08. Review status: no assertion criteria provided. Collection method: clinical testing. Allele origin: germline. Not counted in ClinVar's aggregate classification.
Comment: This variant is classified as likely benign based on ACMG/AMP sequence variant interpretation guidelines (Richards et al. 2015 PMID: 25741868, with internal and published modifications).

Genome Diagnostics Laboratory, University Medical Center Utrecht
Classification: Likely benign. Review status: no assertion criteria provided. Collection method: clinical testing. Allele origin: germline. Affected: yes. Study: VKGL Data-share Consensus. Not counted in ClinVar's aggregate classification.

Joint Genome Diagnostic Labs from Nijmegen and Maastricht, Radboudumc and MUMC+
Classification: Benign. Review status: no assertion criteria provided. Collection method: clinical testing. Allele origin: germline. Affected: yes. Study: VKGL Data-share Consensus. Not counted in ClinVar's aggregate classification.

Laboratory of Diagnostic Genome Analysis, Leiden University Medical Center (LUMC)
Classification: Likely benign. Review status: no assertion criteria provided. Collection method: clinical testing. Allele origin: germline. Affected: yes. Study: VKGL Data-share Consensus. Not counted in ClinVar's aggregate classification.

Literature cited by the submitters: PubMed 25132214 (cited by Mayo Clinic Laboratories, Mayo Clinic); PubMed 25735680 (cited by Mayo Clinic Laboratories, Mayo Clinic).

NM_000069.3(CACNA1S):c.2440G>A (p.Ala814Thr)

Gene: CACNA1S (calcium voltage-gated channel subunit alpha1 S; minus strand). Cytogenetic location: 1q32.1.
Variant type: single nucleotide variant.
Coding change: c.2440G>A on transcript NM_000069.3 (MANE Select); coding-DNA position 2440, G replaced by A.
Protein change: p.Ala814Thr; replaces alanine 814 with threonine.
Molecular consequence: missense variant.
Genome position (GRCh38, 1-based): chr1:201,069,522, C>T on the plus strand (G>A on the coding strand, the complement: CACNA1S is on the minus strand). VCF-style: chr1-201069522-C-T. GRCh37 (hg19) VCF-style: chr1-201038650-C-T.
Other names: p.Ala814Thr; short protein forms A814T.
Identifiers: ClinVar variation 294744 (VCV000294744.67), dbSNP rs139956524, ClinGen allele CA078993.
Genomic context (GRCh38, chr1:201,069,522, plus strand): 5'-AGCCCGTCACCTGATTTCTCATGGAATCAGCCCGGATGGGGTCTTCCGCAGCCAGTGCAG[C>T]GCTGCTGAGCAGGATGAAGAGCAGGATGAAGTTGGTAAACCAGGTGGCATTGACGATGCG-3'
Protein context (NP_000060.2, residues 804-824): FILLFILLSS[Ala814Thr]ALAAEDPIRA